The following is an entry in ClinVar:

ClinVar aggregate classification (germline): Uncertain significance (1 of 4 stars; one submission).

Allele frequency attached by ClinVar (database versions not stated): gnomAD exomes 0.00001 and 0.00003; ExAC 0.00002; TOPMed 0.00002.
gnomAD v4.1: 14 of 1,613,852 alleles (0.00087%); highest among the groups gnomAD compares: East Asian, 0.027%; no homozygotes.

Submission:

Labcorp Genetics (formerly Invitae), Labcorp
Classification: Uncertain significance. Last evaluated: 2021-08-31. Review status: criteria provided, single submitter. Criteria: Invitae Variant Classification Sherloc (09022015). Collection method: clinical testing. Allele origin: germline.
Comment: This sequence change replaces alanine with valine at codon 16 of the RTN4IP1 protein (p.Ala16Val). The alanine residue is moderately conserved and there is a small physicochemical difference between alanine and valine. This variant is present in population databases (rs759983578, ExAC 0.02%). This variant has not been reported in the literature in individuals affected with RTN4IP1-related conditions. Algorithms developed to predict the effect of missense changes on protein structure and function output the following: SIFT: "Tolerated"; PolyPhen-2: "Benign"; Align-GVGD: "Class C0". The valine amino acid residue is found in multiple mammalian species, which suggests that this missense change does not adversely affect protein function. In summary, the available evidence is currently insufficient to determine the role of this variant in disease. Therefore, it has been classified as a Variant of Uncertain Significance.

NM_032730.5(RTN4IP1):c.47C>T (p.Ala16Val)

Gene: RTN4IP1 (reticulon 4 interacting protein 1; minus strand). Cytogenetic location: 6q21.
Variant type: single nucleotide variant.
Coding change: c.47C>T on transcript NM_032730.5 (MANE Select); coding-DNA position 47, C replaced by T.
Protein change: p.Ala16Val; replaces alanine 16 with valine.
Molecular consequence: missense variant. On other transcripts: intron variant (1).
Genome position (GRCh38, 1-based): chr6:106,628,975, G>A on the plus strand (C>T on the coding strand, the complement: RTN4IP1 is on the minus strand). VCF-style: chr6-106628975-G-A. GRCh37 (hg19) VCF-style: chr6-107076850-G-A.
Other names: c.-27+1352C>T (NM_001318746.1); short protein forms A16V.
Identifiers: ClinVar variation 968842 (VCV000968842.7), dbSNP rs759983578, ClinGen allele CA3944602.